The following is an entry in ClinVar:

NM_053025.4(MYLK):c.423-12A>G

Gene: MYLK (myosin light chain kinase; minus strand). Cytogenetic location: 3q21.1.
Variant type: single nucleotide variant.
Coding change: c.423-12A>G on transcript NM_053025.4 (MANE Select); 12 bases into the intron before coding-DNA position 423, A replaced by G.
Molecular consequence: intron variant.
Genome position (GRCh38, 1-based): chr3:123,739,074, T>C on the plus strand (A>G on the coding strand, the complement: MYLK is on the minus strand). VCF-style: chr3-123739074-T-C. GRCh37 (hg19) VCF-style: chr3-123457921-T-C.
Other names: c.-106-12A>G (NM_001321309.2); c.423-12A>G (NM_053028.4, NM_053026.4, NM_053027.4).
Identifiers: ClinVar variation 2145472 (VCV002145472.4), dbSNP rs781502188, ClinGen allele CA071716.

ClinVar aggregate classification (germline): Uncertain significance. Review status: criteria provided, multiple submitters, no conflicts (2 of 4 stars). 2 submissions from 2 submitters: Uncertain significance (2). Last evaluated 2026-02-01.

Conditions:
Aortic aneurysm, familial thoracic 7 (AAT7). Also called: AORTIC DISSECTION, FAMILIAL, WITH OR WITHOUT AORTIC ANEURYSM. Identifiers: MedGen C3151077, MONDO:0013418, OMIM 613780.

Allele frequency attached by ClinVar (database versions not stated): ExAC 0.00001; gnomAD 0.00002; TOPMed 0.00003.
gnomAD v4.1: 28 of 1,613,408 alleles (0.0017%); highest among the groups gnomAD compares: African/African-American, 0.0027%; no homozygotes.

Submissions (2):

Labcorp Genetics (formerly Invitae), Labcorp
Classification: Uncertain significance for Aortic aneurysm, familial thoracic 7. Last evaluated: 2026-02-01. Review status: criteria provided, single submitter. Criteria: Invitae Variant Classification Sherloc (09022015). Collection method: clinical testing. Allele origin: germline.
Comment: This sequence change falls in intron 6 of the MYLK gene. It does not directly change the encoded amino acid sequence of the MYLK protein. This variant is present in population databases (rs781502188, gnomAD 0.004%). This variant has not been reported in the literature in individuals affected with MYLK-related conditions. ClinVar contains an entry for this variant (Variation ID: 2145472). Algorithms developed to predict the effect of sequence changes on RNA splicing suggest that this variant may disrupt the consensus splice site. In summary, the available evidence is currently insufficient to determine the role of this variant in disease. Therefore, it has been classified as a Variant of Uncertain Significance.

GeneDx
Classification: Uncertain significance. Last evaluated: 2024-01-08. Review status: criteria provided, single submitter. Criteria: GeneDx Variant Classification Process June 2021. Collection method: clinical testing. Allele origin: germline. Affected: yes.
Comment: Has not been previously published as pathogenic or benign to our knowledge; Not observed at significant frequency in large population cohorts (gnomAD); In silico analysis supports a deleterious effect on splicing